The following is an entry in ClinVar:

NM_003114.5(SPAG1):c.1435+4G>C

Genes: SPAG1 (sperm associated antigen 1; plus strand), LOC130000832 (ATAC-STARR-seq lymphoblastoid silent region 19412; plus strand). Cytogenetic location: 8q22.2.
Variant type: single nucleotide variant.
Coding change: c.1435+4G>C on transcript NM_003114.5 (MANE Select); 4 bases into the intron after coding-DNA position 1435, G replaced by C.
Molecular consequence: intron variant.
Genome position (GRCh38, 1-based): chr8:100,213,432, G>C. VCF-style: chr8-100213432-G-C. GRCh37 (hg19) VCF-style: chr8-101225660-G-C.
Other names: c.1435+4G>C (NM_001374321.1, NM_172218.3).
Identifiers: ClinVar variation 3703108 (VCV003703108.1).

ClinVar aggregate classification (germline): Uncertain significance (1 of 4 stars; one submission).

Conditions:
Primary ciliary dyskinesia 28. Also called: CILIARY DYSKINESIA, PRIMARY, 28, WITH OR WITHOUT SITUS INVERSUS. Identifiers: Orphanet 244, MedGen C3809706, MONDO:0014216, OMIM 615505.

Submission:

Labcorp Genetics (formerly Invitae), Labcorp
Classification: Uncertain significance for Primary ciliary dyskinesia 28. Last evaluated: 2024-06-27. Review status: criteria provided, single submitter. Criteria: Invitae Variant Classification Sherloc (09022015). Collection method: clinical testing. Allele origin: germline.
Comment: This sequence change falls in intron 11 of the SPAG1 gene. It does not directly change the encoded amino acid sequence of the SPAG1 protein. It affects a nucleotide within the consensus splice site. The frequency data for this variant in the population databases is considered unreliable, as metrics indicate poor data quality at this position in the gnomAD database. This variant has not been reported in the literature in individuals affected with SPAG1-related conditions. Variants that disrupt the consensus splice site are a relatively common cause of aberrant splicing (PMID: 17576681, 9536098). Algorithms developed to predict the effect of sequence changes on RNA splicing suggest that this variant is not likely to affect RNA splicing. In summary, the available evidence is currently insufficient to determine the role of this variant in disease. Therefore, it has been classified as a Variant of Uncertain Significance.

Literature cited by the submitters: PubMed 17576681; PubMed 9536098.